The following is an entry in ClinVar:

NM_000875.5(IGF1R):c.337T>C (p.Tyr113His)

Gene: IGF1R (insulin like growth factor 1 receptor; plus strand). Cytogenetic location: 15q26.3.
Variant type: single nucleotide variant.
Coding change: c.337T>C on transcript NM_000875.5 (MANE Select); coding-DNA position 337, T replaced by C.
Protein change: p.Tyr113His; replaces tyrosine 113 with histidine.
Molecular consequence: missense variant.
Genome position (GRCh38, 1-based): chr15:98,707,804, T>C. VCF-style: chr15-98707804-T-C. GRCh37 (hg19) VCF-style: chr15-99251033-T-C.
Other names: c.337T>C, p.Tyr113His (NM_001291858.2); short protein forms Y113H.
Identifiers: ClinVar variation 3891292 (VCV003891292.1).
Genomic context (GRCh38, chr15:98,707,804, plus strand): 5'-CTCGAGAGCCTCGGAGACCTCTTCCCCAACCTCACGGTCATCCGCGGCTGGAAACTCTTC[T>C]ACAACTACGCCCTGGTCATCTTCGAGATGACCAATCTCAAGGATATTGGGCTTTACAACC-3'
Protein context (NP_000866.1, residues 103-123): LTVIRGWKLF[Tyr113His]NYALVIFEMT

ClinVar aggregate classification (germline): Uncertain significance (1 of 4 stars; one submission).

Conditions:
Growth delay due to insulin-like growth factor I resistance. Also called: Somatomedin end-organ insensitivity to; Somatomedin-c resistance to; IGF-1 resistance; IGF-I RESISTANCE; Insulin-Like Growth Factor I Resistance. Identifiers: Orphanet 73273, MedGen C1849157, MONDO:0010038, OMIM 270450.

Submission:

Clinical Genetics Laboratory, Skane University Hospital Lund
Classification: Uncertain significance for Growth delay due to insulin-like growth factor I resistance. Last evaluated: 2025-04-24. Review status: criteria provided, single submitter. Criteria: ACMG Guidelines, 2015. Collection method: clinical testing. Allele origin: germline. Affected: yes.
Comment: ACMG criteria used: PM2, PP3